The following is an entry in ClinVar:

NM_020812.4(DOCK6):c.4403G>A (p.Arg1468Gln)

Genes: DOCK6 (dedicator of cytokinesis 6; minus strand), DOCK6-AS1 (DOCK6 antisense RNA 1; plus strand). Cytogenetic location: 19p13.2.
Variant type: single nucleotide variant.
Coding change: c.4403G>A on transcript NM_020812.4 (MANE Select); coding-DNA position 4403, G replaced by A.
Protein change: p.Arg1468Gln; replaces arginine 1468 with glutamine.
Molecular consequence: missense variant.
Genome position (GRCh38, 1-based): chr19:11,213,264, C>T on the plus strand (G>A on the coding strand, the complement: DOCK6 is on the minus strand). VCF-style: chr19-11213264-C-T. GRCh37 (hg19) VCF-style: chr19-11323940-C-T.
Other names: c.4508G>A, p.Arg1503Gln (NM_001367830.1); short protein forms R1468Q, R1503Q.
Identifiers: ClinVar variation 4985083 (VCV004985083.1).

ClinVar aggregate classification (germline): Uncertain significance (1 of 4 stars; one submission).

Conditions:
DOCK6-related disorder. Also called: DOCK6-related condition.

gnomAD v4.1: 8 of 1,613,042 alleles (0.0005%); highest among the groups gnomAD compares: East Asian, 0.0022%; no homozygotes.

Submission:

PreventionGenetics, part of Exact Sciences
Classification: Uncertain significance for DOCK6-related condition. Last evaluated: 2026-06-25. Review status: criteria provided, single submitter. Criteria: ACMG Guidelines, 2015. Collection method: clinical testing. Allele origin: germline.
Comment: The DOCK6 c.4403G>A variant is predicted to result in the amino acid substitution p.Arg1468Gln. To our knowledge, this variant has not been reported in the literature or in a large population database (gnomAD), indicating this variant is rare. At this time, the clinical significance of this variant is uncertain due to the absence of conclusive functional and genetic evidence.